The following is an entry in ClinVar:

NM_000455.5(STK11):c.1101G>A (p.Thr367=)

Genes: STK11 (serine/threonine kinase 11; plus strand), LOC130062899 (ATAC-STARR-seq lymphoblastoid active region 13597; plus strand). Cytogenetic location: 19p13.3.
Variant type: single nucleotide variant.
Coding change: c.1101G>A on transcript NM_000455.5 (MANE Select); coding-DNA position 1101, G replaced by A.
Protein change: p.Thr367=; no amino-acid change (threonine 367 retained).
Molecular consequence: synonymous variant.
Genome position (GRCh38, 1-based): chr19:1,223,165, G>A. VCF-style: chr19-1223165-G-A. GRCh37 (hg19) VCF-style: chr19-1223164-G-A.
Identifiers: ClinVar variation 185935 (VCV000185935.32), dbSNP rs750954647, ClinGen allele CA022297.

ClinVar aggregate classification (germline): Benign/Likely benign. Review status: criteria provided, multiple submitters, no conflicts (2 of 4 stars). 11 submissions from 11 submitters: Benign (3); Likely benign (7). 1 of the submissions does not count toward it. Last evaluated 2025-12-22.

Conditions:
STK11-related disorder. Also called: STK11-related condition.
Hereditary cancer-predisposing syndrome. Also called: Neoplastic Syndromes, Hereditary; Tumor predisposition; Hereditary neoplastic syndrome; Hereditary Cancer Syndrome. Identifiers: Orphanet 140162, MedGen C0027672, MeSH D009386, MONDO:0015356.
Peutz-Jeghers syndrome (PJS). Also called: Peutz-Jeghers polyposis; Periorificial lentiginosis syndrome; POLYPOSIS, HAMARTOMATOUS INTESTINAL; POLYPS-AND-SPOTS SYNDROME. Identifiers: Orphanet 2869, MedGen C0031269, MeSH D010580, MONDO:0008280, OMIM 175200.
Malignant tumor of breast. Also called: Malignant breast neoplasm; Cancer breast. Identifiers: MedGen C0006142, MONDO:0007254. Disease mechanism: loss of function.

Allele frequency attached by ClinVar (database versions not stated): gnomAD 0.00001; gnomAD exomes 0.00001 and 0.00004; TOPMed 0.00001; ExAC 0.00003.
gnomAD v4.1: 11 of 1,610,716 alleles (0.00068%); highest among the groups gnomAD compares: East Asian, 0.0067%; no homozygotes.

Submissions (11):

PreventionGenetics, part of Exact Sciences
Classification: Likely benign for STK11-related condition. Last evaluated: 2025-12-22. Review status: criteria provided, single submitter. Criteria: ACMG Guidelines, 2015. Collection method: clinical testing. Allele origin: germline.
Comment: This variant is classified as likely benign based on ACMG/AMP sequence variant interpretation guidelines (Richards et al. 2015 PMID: 25741868, with internal and published modifications).

Labcorp Genetics (formerly Invitae), Labcorp
Classification: Likely benign for Peutz-Jeghers syndrome. Last evaluated: 2025-10-08. Review status: criteria provided, single submitter. Criteria: Invitae Variant Classification Sherloc (09022015). Collection method: clinical testing. Allele origin: germline.

Myriad Genetics, Inc.
Classification: Benign for Peutz-Jeghers syndrome. Last evaluated: 2025-03-28. Review status: criteria provided, single submitter. Criteria: Myriad Autosomal Dominant, Autosomal Recessive and X-Linked Classification Criteria (2023). Collection method: clinical testing. Allele origin: unknown.
Comment: This variant is considered benign. This variant is a silent/synonymous amino acid change and it is not expected to impact splicing.

Women's Health and Genetics/Laboratory Corporation of America, LabCorp
Classification: Benign. Last evaluated: 2025-02-23. Review status: criteria provided, single submitter. Criteria: LabCorp Variant Classification Summary - May 2015. Collection method: clinical testing. Allele origin: germline.

All of Us Research Program, National Institutes of Health
Classification: Likely benign for Peutz-Jeghers syndrome. Last evaluated: 2024-02-05. Review status: criteria provided, single submitter. Criteria: ACMG Guidelines, 2015. Collection method: clinical testing. Allele origin: germline. Inheritance: Autosomal dominant inheritance. Observed: 5 variant alleles, 5 heterozygotes.
Comment: This study involves interpretation of variants in research participants for the purpose of population health screening. Participant phenotype was not available at the time of variant classification. Additional details can be found in publication PMID: 35346344, PMCID: PMC8962531

Genome-Nilou Lab
Classification: Likely benign for Peutz-Jeghers syndrome. Last evaluated: 2021-07-15. Review status: criteria provided, single submitter. Criteria: ACMG Guidelines, 2015. Collection method: clinical testing. Allele origin: germline. Affected: no.

Quest Diagnostics Nichols Institute San Juan Capistrano
Classification: Benign. Last evaluated: 2020-10-13. Review status: criteria provided, single submitter. Criteria: Quest Diagnostics criteria. Collection method: clinical testing. Allele origin: unknown.

GeneDx
Classification: Likely benign. Last evaluated: 2018-06-05. Review status: criteria provided, single submitter. Criteria: GeneDx Variant Classification (06012015). Collection method: clinical testing. Allele origin: germline. Affected: yes.
Comment: This variant is considered likely benign or benign based on one or more of the following criteria: it is a conservative change, it occurs at a poorly conserved position in the protein, it is predicted to be benign by multiple in silico algorithms, and/or has population frequency not consistent with disease.

Color Diagnostics, LLC DBA Color Health
Classification: Likely benign for Hereditary cancer-predisposing syndrome. Last evaluated: 2015-10-20. Review status: criteria provided, single submitter. Criteria: ACMG Guidelines, 2015. Collection method: clinical testing. Allele origin: germline.

Ambry Genetics
Classification: Likely benign for Hereditary cancer-predisposing syndrome. Last evaluated: 2014-12-18. Review status: criteria provided, single submitter. Criteria: Ambry Variant Classification Scheme 2023. Collection method: clinical testing. Allele origin: germline.

Department of Pathology and Laboratory Medicine, Sinai Health System
Classification: Likely benign for Malignant tumor of breast. Review status: no assertion criteria provided. Collection method: clinical testing. Allele origin: unknown. Affected: yes. Study: The Canadian Open Genetics Repository (COGR). Not counted in ClinVar's aggregate classification.
Comment: The STK11 p.Thr367= variant was not identified in the literature nor was it identified in the Cosmic, LOVD 3.0, Zhejiang University Database, or Insight Hereditary Tumors Database. The variant was identified in dbSNP (ID: rs750954647) as "With Likely benign allele" and ClinVar (classified as likely benign by Ambry Genetics, Invitae, and Color Genomics). The variant was identified in control databases in 10 of 240142 chromosomes at a frequency of 0.00004 (Genome Aggregation Database Feb 27, 2017). The variant was observed in the following populations: East Asian in 5 of 17114 chromosomes (freq: 0.0003), Latino in 2 of 33302 chromosomes (freq: 0.00006), European in 2 of 108994 chromosomes (freq: 0.00002), and Finnish in 1 of 20766 chromosomes (freq: 0.00005), while the variant was not observed in the African, Other, Ashkenazi Jewish, or South Asian populations. The p.Thr367= variant is not expected to have clinical significance because it does not result in a change of amino acid and is not located in a known consensus splice site. In addition, in silico or computational prediction software programs (SpliceSiteFinder, MaxEntScan, NNSPLICE, GeneSplicer) do not predict a greater than 10% difference in splicing. In summary, based on the above information, the clinical significance of this variant cannot be determined with certainty at this time although we would lean towards a more benign role for this variant. This variant is classified as likely benign.